The following is an entry in ClinVar:

ClinVar aggregate classification (germline): Benign/Likely benign. Review status: criteria provided, multiple submitters, no conflicts (2 of 4 stars). 4 submissions from 4 submitters: Benign (1); Likely benign (3). Last evaluated 2025-12-24.

Conditions:
Inborn genetic diseases. Identifiers: MedGen C0950123, MeSH D030342.
MCM3AP-related disorder. Also called: MCM3AP-related condition.

Allele frequency attached by ClinVar (database versions not stated): ExAC 0.00101; gnomAD 0.00284 and 0.00305; ESP Exome Variant Server 0.00315; 1000 Genomes Project 0.00319; TOPMed 0.00326; 1000 Genomes Project 30x 0.00328.
gnomAD v4.1: 840 of 1,610,492 alleles (0.052%); highest among the groups gnomAD compares: African/African-American, 1%; 5 homozygotes.

Submissions (4):

Labcorp Genetics (formerly Invitae), Labcorp
Classification: Benign. Last evaluated: 2025-12-24. Review status: criteria provided, single submitter. Criteria: Invitae Variant Classification Sherloc (09022015). Collection method: clinical testing. Allele origin: germline.

Ambry Genetics
Classification: Likely benign for Inborn genetic diseases. Last evaluated: 2025-09-22. Review status: criteria provided, single submitter. Criteria: Ambry Variant Classification Scheme 2023. Collection method: clinical testing. Allele origin: germline.

PreventionGenetics, part of Exact Sciences
Classification: Likely benign for MCM3AP-related condition. Last evaluated: 2025-02-21. Review status: criteria provided, single submitter. Criteria: ACMG Guidelines, 2015. Collection method: clinical testing. Allele origin: germline.
Comment: This variant is classified as likely benign based on ACMG/AMP sequence variant interpretation guidelines (Richards et al. 2015 PMID: 25741868, with internal and published modifications).

CeGaT Center for Human Genetics Tuebingen
Classification: Likely benign. Last evaluated: 2024-12-01. Review status: criteria provided, single submitter. Criteria: CeGaT Center For Human Genetics Tuebingen Variant Classification Criteria Version 2. Collection method: clinical testing. Allele origin: germline. Affected: yes. Observed: 1 variant allele.
Comment: MCM3AP: BP4, BS1

NM_003906.5(MCM3AP):c.5279G>A (p.Arg1760Gln)

Genes: MCM3AP (minichromosome maintenance complex component 3 associated protein; minus strand), MCM3AP-AS1 (MCM3AP antisense RNA 1; plus strand). Cytogenetic location: 21q22.3.
Variant type: single nucleotide variant.
Coding change: c.5279G>A on transcript NM_003906.5 (MANE Select); coding-DNA position 5279, G replaced by A.
Protein change: p.Arg1760Gln; replaces arginine 1760 with glutamine.
Molecular consequence: missense variant.
Genome position (GRCh38, 1-based): chr21:46,243,482, C>T on the plus strand (G>A on the coding strand, the complement: MCM3AP is on the minus strand). VCF-style: chr21-46243482-C-T. GRCh37 (hg19) VCF-style: chr21-47663396-C-T.
Other names: c.5279G>A (NM_003906.3, NM_003906.4); short protein forms R1760Q.
Identifiers: ClinVar variation 1600358 (VCV001600358.22), dbSNP rs34589822, ClinGen allele CA10075911.
Genomic context (GRCh38, chr21:46,243,482, plus strand): 5'-AGTCTCGTGAGGAGCTGATCCCATTGCATCAAGCTCTAATTACCTGATGTAACAGGAAGC[C>T]GGGGGGGCGTCCAGTCTCTCAGCTTGTGGTTGATACACAAGGCGATAAGATCATCCCATG-3'
Protein context (NP_003897.2, residues 1750-1770): NHKLRDWTPP[Arg1760Gln]LPVTSEALSE